The following is an entry in ClinVar:

ClinVar aggregate classification (germline): Likely pathogenic (1 of 4 stars; one submission).

Submission:

Labcorp Genetics (formerly Invitae), Labcorp
Classification: Likely pathogenic. Last evaluated: 2020-01-10. Review status: criteria provided, single submitter. Criteria: Invitae Variant Classification Sherloc (09022015). Collection method: clinical testing. Allele origin: germline.
Comment: This variant results in a copy number gain of the genomic region encompassing exons 27-29 of the EYS gene. While the exact position of this variant cannot be determined from this data, sub-genic copy number gains are generally in tandem (PMID: 25640679) and may result in an absent or disrupted protein product. This variant has been observed in individual(s) with clinical features of retinitis pigmentosa (Invitae). Loss-of-function variants in EYS are known to be pathogenic (PMID: 18836446, 20333770). In summary, the currently available evidence indicates that the variant is pathogenic, but additional data are needed to prove that conclusively. Therefore, this variant has been classified as Likely Pathogenic.

Literature cited by the submitters: PubMed 25640679; PubMed 18836446; PubMed 20333770.

NC_000006.11:g.(?_65098583)_(65149245_?)dup

Gene: EYS (eyes shut homolog; minus strand). Cytogenetic location: 6q12.
Variant type: Duplication.
Identifiers: ClinVar variation 1066059 (VCV001066059.1).